The following is an entry in ClinVar:

ClinVar aggregate classification (germline): Uncertain significance (1 of 4 stars; one submission).

Submission:

GeneDx
Classification: Uncertain significance. Last evaluated: 2022-05-24. Review status: criteria provided, single submitter. Criteria: GeneDx Variant Classification Process June 2021. Collection method: clinical testing. Allele origin: germline. Affected: yes.
Comment: Not observed at significant frequency in large population cohorts (gnomAD); In silico analysis supports that this missense variant has a deleterious effect on protein structure/function; Has not been previously published as pathogenic or benign to our knowledge

NM_178014.4(TUBB):c.176A>G (p.Tyr59Cys)

Gene: TUBB (tubulin beta class I; plus strand). Cytogenetic location: 6p21.33.
Variant type: single nucleotide variant.
Coding change: c.176A>G on transcript NM_178014.4 (MANE Select); coding-DNA position 176, A replaced by G.
Protein change: p.Tyr59Cys; replaces tyrosine 59 with cysteine.
Molecular consequence: missense variant. On other transcripts: 5 prime UTR variant (2), non-coding transcript variant (1).
Genome position (GRCh38, 1-based): chr6:30,722,927, A>G. VCF-style: chr6-30722927-A-G. GRCh37 (hg19) VCF-style: chr6-30690704-A-G.
Other names: c.236A>G, p.Tyr79Cys (NM_001293212.2); c.176A>G, p.Tyr59Cys (NM_001293213.2); c.44A>G, p.Tyr15Cys (NM_001293214.2); c.-41A>G (NM_001293215.2, NM_001293216.2); short protein forms Y15C, Y59C, Y79C.
Identifiers: ClinVar variation 1801150 (VCV001801150.1), dbSNP rs2536603917, ClinGen allele CA363143160.